The following is an entry in ClinVar:

ClinVar aggregate classification (germline): Uncertain significance (1 of 4 stars; one submission).

Submission:

Women's Health and Genetics/Laboratory Corporation of America, LabCorp
Classification: Uncertain significance. Last evaluated: 2025-07-10. Review status: criteria provided, single submitter. Criteria: LabCorp Variant Classification Summary - May 2015. Collection method: clinical testing. Allele origin: germline.
Comment: Variant summary: ZFYVE26 c.7370A>G (p.Gln2457Arg) results in a conservative amino acid change in the encoded protein sequence. Algorithms developed to predict the effect of missense changes on protein structure and function all suggest that this variant is likely to be tolerated. Several computational tools predict a significant impact on normal splicing: Two predict the variant abolishes a canonical 5' splicing donor site. Two predict the variant weakens a canonical 5' donor site. However, these predictions have yet to be confirmed by functional studies. The frequency data for this variant in gnomAD is considered unreliable, as metrics indicate poor data quality at this position. To our knowledge, no occurrence of c.7370A>G in individuals affected with Hereditary Spastic Paraplegia 15 and no experimental evidence demonstrating its impact on protein function have been reported. No submitters have cited clinical-significance assessments for this variant to ClinVar. Based on the evidence outlined above, the variant was classified as uncertain significance.

NM_015346.4(ZFYVE26):c.7370A>G (p.Gln2457Arg)

Gene: ZFYVE26 (zinc finger FYVE-type containing 26; minus strand). Cytogenetic location: 14q24.1.
Variant type: single nucleotide variant.
Coding change: c.7370A>G on transcript NM_015346.4 (MANE Select); coding-DNA position 7370, A replaced by G.
Protein change: p.Gln2457Arg; replaces glutamine 2457 with arginine.
Molecular consequence: missense variant.
Genome position (GRCh38, 1-based): chr14:67,752,345, T>C on the plus strand (A>G on the coding strand, the complement: ZFYVE26 is on the minus strand). VCF-style: chr14-67752345-T-C. GRCh37 (hg19) VCF-style: chr14-68219062-T-C.
Other names: short protein forms Q2457R.
Identifiers: ClinVar variation 4526007 (VCV004526007.1).